The following is an entry in ClinVar:

ClinVar aggregate classification (germline): Uncertain significance (1 of 4 stars; one submission).

Conditions:
Renal cell carcinoma (RCCP1). Identifiers: Orphanet 217071, MedGen C0007134, MeSH D002292, MONDO:0005086, HP:0005584.

Submission:

Labcorp Genetics (formerly Invitae), Labcorp
Classification: Uncertain significance for Renal cell carcinoma. Last evaluated: 2022-05-14. Review status: criteria provided, single submitter. Criteria: Invitae Variant Classification Sherloc (09022015). Collection method: clinical testing. Allele origin: germline.
Comment: A copy number gain of the genomic region encompassing the full coding sequence of the MET gene has been identified. The boundaries of this event are unknown as they extend beyond the assayed region for this gene and therefore may encompass additional genes. As the precise location of this event is unknown, it may be in tandem or it may be located elsewhere in the genome. This variant has not been reported in the literature in individuals affected with MET-related conditions. In summary, the available evidence is currently insufficient to determine the role of this variant in disease. Therefore, it has been classified as a Variant of Uncertain Significance.

NC_000007.13:g.(?_116339139)_(116436178_?)dup

Gene: MET (MET proto-oncogene, receptor tyrosine kinase; plus strand). Cytogenetic location: 7q31.2.
Variant type: Duplication.
Identifiers: ClinVar variation 1024064 (VCV001024064.2).